The following is an entry in ClinVar:

ClinVar aggregate classification (germline): Uncertain significance. Review status: criteria provided, multiple submitters, no conflicts (2 of 4 stars). 5 submissions from 5 submitters: Uncertain significance (5). Last evaluated 2025-11-22.

Conditions:
Hereditary breast ovarian cancer syndrome. Also called: Hereditary breast and ovarian cancer; Hereditary breast and ovarian cancer syndrome (HBOC); Breast and ovarian cancer; Hereditary breast and ovarian cancer syndrome; BRCA1- and BRCA2-Associated Hereditary Breast and Ovarian Cancer; Hereditary breast and/or ovarian cancer syndrome. Identifiers: Orphanet 145, MedGen C0677776, MeSH D061325, MONDO:0003582. Disease mechanism: loss of function.
Hereditary cancer-predisposing syndrome. Also called: Tumor predisposition; Neoplastic Syndromes, Hereditary; Hereditary neoplastic syndrome; Hereditary Cancer Syndrome. Identifiers: Orphanet 140162, MedGen C0027672, MeSH D009386, MONDO:0015356.
Familial cancer of breast. Also called: hereditary breast carcinoma; BREAST CANCER, FAMILIAL; Hereditary breast cancer. Identifiers: Orphanet 227535, MedGen C0346153, MONDO:0016419, OMIM 114480. Disease mechanism: loss of function.

Submissions (5):

Labcorp Genetics (formerly Invitae), Labcorp
Classification: Uncertain significance for Hereditary breast ovarian cancer syndrome. Last evaluated: 2025-11-22. Review status: criteria provided, single submitter. Criteria: Invitae Variant Classification Sherloc (09022015). Collection method: clinical testing. Allele origin: germline.
Comment: This sequence change replaces glutamic acid, which is acidic and polar, with proline, which is neutral and non-polar, at codon 2476 of the BRCA2 protein (p.Glu2476Pro). Information on the frequency of this variant in the gnomAD database is not available, as this variant may be reported differently in the database. This missense change has been observed in individual(s) with personal and/or family history of hereditary breast and ovarian cancer (PMID: 28692638, 30702160; internal data). ClinVar contains an entry for this variant (Variation ID: 630547). An algorithm developed to predict the effect of missense changes on protein structure and function outputs the following: PolyPhen-2: "Benign". The proline amino acid residue is found in multiple mammalian species, which suggests that this missense change does not adversely affect protein function. In summary, the available evidence is currently insufficient to determine the role of this variant in disease. Therefore, it has been classified as a Variant of Uncertain Significance.

Baylor Genetics
Classification: Uncertain significance for Familial cancer of breast. Last evaluated: 2023-12-26. Review status: criteria provided, single submitter. Criteria: ACMG Guidelines, 2015. Collection method: clinical testing. Allele origin: unknown.

Ambry Genetics
Classification: Uncertain significance for Hereditary cancer-predisposing syndrome. Last evaluated: 2023-09-12. Review status: criteria provided, single submitter. Criteria: Ambry Variant Classification Scheme 2023. Collection method: clinical testing. Allele origin: germline.
Comment: The c.7426_7427delGAinsCC variant (also known as p.E2476P) located in coding exon 13 of the BRCA2 gene, results from an in-frame deletion of GA and insertion of CC at nucleotide positions 7426 to 7427. This results in the substitution of the glutamic acid residue for a proline residue at codon 2476, an amino acid with similar properties. This variant was identified in 1/826 unselected Chinese ovarian cancer patients (Wu X et al. Int J Gynecol Cancer, 2017 10;27:1650-1657). This amino acid position is not well conserved in available vertebrate species. In addition, this alteration is predicted to be neutral by in silico analysis (Choi Y et al. PLoS ONE. 2012; 7(10):e46688). Since supporting evidence is limited at this time, the clinical significance of this alteration remains unclear.

Color Diagnostics, LLC DBA Color Health
Classification: Uncertain significance for Hereditary cancer-predisposing syndrome. Last evaluated: 2022-01-04. Review status: criteria provided, single submitter. Criteria: ACMG Guidelines, 2015. Collection method: clinical testing. Allele origin: germline.
Comment: This missense variant replaces glutamic acid with proline at codon 2476 of the BRCA2 protein. To our knowledge, functional studies have not been reported for this variant. In a large breast cancer case-control study conducted by the Breast Cancer Association Consortium, this variant was reported in 2/60464 cases and 0/53461 controls, showing inconclusive association with disease (p-value=0.502) (PMID: 33471991). This variant has also been reported in individuals affected with ovarian cancer (PMID: 28692638). This variant has not been identified in the general population by the Genome Aggregation Database (gnomAD). The available evidence is insufficient to determine the role of this variant in disease conclusively. Therefore, this variant is classified as a Variant of Uncertain Significance.

Quest Diagnostics Nichols Institute San Juan Capistrano
Classification: Uncertain significance. Last evaluated: 2018-11-12. Review status: criteria provided, single submitter. Criteria: Quest Diagnostics criteria. Collection method: clinical testing. Allele origin: germline.

Literature cited by the submitters: PubMed 28692638 (cited by 4 submitters); PubMed 30702160 (cited by Labcorp Genetics (formerly Invitae), Labcorp); PubMed 33471991 (cited by Color Diagnostics, LLC DBA Color Health).

NM_000059.4(BRCA2):c.7426_7427delinsCC (p.Glu2476Pro)

Gene: BRCA2 (BRCA2 DNA repair associated; plus strand). Cytogenetic location: 13q13.1.
Variant type: Indel.
Coding change: c.7426_7427delinsCC on transcript NM_000059.4 (MANE Select); coding-DNA positions 7426 to 7427, GA replaced by CC.
Protein change: p.Glu2476Pro; replaces glutamic acid 2476 with proline.
Molecular consequence: missense variant.
Genome position (GRCh38, 1-based): chr13:32,355,279-32,355,280, GA replaced by CC. VCF-style: chr13-32355279-GA-CC. GRCh37 (hg19) VCF-style: chr13-32929416-GA-CC.
Other names: c.7426_7427delGAinsCC (NM_000059.3); short protein forms E2476P.
Identifiers: ClinVar variation 630547 (VCV000630547.26), dbSNP rs1566241348, ClinGen allele CA913188636.
Genomic context (GRCh38, chr13:32,355,279, plus strand): 5'-CAGTTTAACAAAAACAACTCCAATCAAGCAGTAGCTGTAACTTTCACAAAGTGTGAAGAA[GA>CC]ACCTTTAGGTATTGTATGACAATTTGTGTGATGAATTTTTGCCTTTCAGTTAGATATTTC-3'
Protein context (NP_000050.3, residues 2466-2486): VAVTFTKCEE[Glu2476Pro]PLDLITSLQN